The following is an entry in ClinVar:

NM_001077268.2(ZFYVE19):c.127_131del (p.Gln43fs)

Gene: ZFYVE19 (zinc finger FYVE-type containing 19; plus strand). Cytogenetic location: 15q15.1.
Variant type: Microsatellite.
Coding change: c.127_131del on transcript NM_001077268.2 (MANE Select); coding-DNA positions 127 to 131, 5 bases deleted (CAGGG; older notation c.127_131delCAGGG).
Protein change: p.Gln43fs; shifts the reading frame from glutamine 43.
Molecular consequence: frameshift variant. On other transcripts: intron variant (2).
Genome position (GRCh38, 1-based): chr15:40,807,716-40,807,720, CAGGG deleted; deleting any 5 consecutive bases within chr15:40,807,708-40,807,720 gives the same sequence; the c. name uses the placement nearest the transcript's 3' end. VCF-style (leftmost placement, unchanged base first): chr15-40807707-GGGGCA-G. GRCh37 (hg19) VCF-style: chr15-41099905-GGGGCA-G.
Other names: c.127_131del, p.Gln43fs (NM_001258420.2); c.-247+45_-247+49del (NM_001258421.2); c.125+303_125+307del (NM_032850.5); short protein forms Q43fs.
Identifiers: ClinVar variation 4990783 (VCV004990783.1).

ClinVar aggregate classification (germline): Uncertain significance (1 of 4 stars; one submission).

Conditions:
ZFYVE19-related disorder. Also called: ZFYVE19-related condition.

Submission:

PreventionGenetics, part of Exact Sciences
Classification: Uncertain significance for ZFYVE19-related condition. Last evaluated: 2025-11-14. Review status: criteria provided, single submitter. Criteria: ACMG Guidelines, 2015. Collection method: clinical testing. Allele origin: germline.
Comment: The ZFYVE19 c.127_131del5 variant is predicted to result in a frameshift and premature protein termination (p.Gln43Lysfs*8). To our knowledge, this variant has not been reported in the literature. This variant is reported in 0.0057% of alleles in individuals of East Asian descent in gnomAD. Although we suspect that this variant may be pathogenic, at this time, the clinical significance of this variant is uncertain due to the absence of conclusive functional and genetic evidence.